The following is an entry in ClinVar:

NM_000059.4(BRCA2):c.8584dup (p.Leu2862fs)

Gene: BRCA2 (BRCA2 DNA repair associated; plus strand). Cytogenetic location: 13q13.1.
Variant type: Duplication.
Coding change: c.8584dup on transcript NM_000059.4 (MANE Select); coding-DNA position 8584, one base duplicated (C; older notation c.8584dupC).
Protein change: p.Leu2862fs; shifts the reading frame from leucine 2862.
Molecular consequence: frameshift variant. On other transcripts: non-coding transcript variant (1).
Genome position (GRCh38, 1-based): chr13:32,371,052, C duplicated. VCF-style (leftmost placement, unchanged base first): chr13-32371051-A-AC. GRCh37 (hg19) VCF-style: chr13-32945188-A-AC.
Other names: c.2167dup, p.Leu723fs (NM_001406722.1); c.8584dup, p.Leu2862fs (NM_001432077.1, NM_001406720.1); c.8488dup, p.Leu2830fs (NM_001406719.1); c.3652dup, p.Leu1218fs (NM_001406721.1); short protein forms L1218fs, L2830fs, L2862fs, L723fs.
Identifiers: ClinVar variation 4718804 (VCV004718804.1).

ClinVar aggregate classification (germline): Pathogenic (1 of 4 stars; one submission).

Conditions:
Hereditary breast ovarian cancer syndrome. Also called: Hereditary breast and ovarian cancer syndrome; Hereditary breast and ovarian cancer syndrome (HBOC); Breast and ovarian cancer; BRCA1- and BRCA2-Associated Hereditary Breast and Ovarian Cancer; Hereditary breast and/or ovarian cancer syndrome; Hereditary breast and ovarian cancer. Identifiers: Orphanet 145, MedGen C0677776, MeSH D061325, MONDO:0003582. Disease mechanism: loss of function.

Submission:

Labcorp Genetics (formerly Invitae), Labcorp
Classification: Pathogenic for Hereditary breast ovarian cancer syndrome. Last evaluated: 2025-05-02. Review status: criteria provided, single submitter. Criteria: Invitae Variant Classification Sherloc (09022015). Collection method: clinical testing. Allele origin: germline.
Comment: This sequence change creates a premature translational stop signal (p.Leu2862Profs*7) in the BRCA2 gene. It is expected to result in an absent or disrupted protein product. Loss-of-function variants in BRCA2 are known to be pathogenic (PMID: 20104584). This variant is not present in population databases (gnomAD no frequency). This variant has not been reported in the literature in individuals affected with BRCA2-related conditions. For these reasons, this variant has been classified as Pathogenic.

Literature cited by the submitters: PubMed 20104584.